The following is an entry in ClinVar:

ClinVar aggregate classification (germline): Uncertain significance (1 of 4 stars; one submission).

Allele frequency attached by ClinVar (database versions not stated): TOPMed below 0.00001; gnomAD 0.00001; ExAC 0.00002; 1000 Genomes Project 30x 0.00016; 1000 Genomes Project 0.00020.
gnomAD v4.1: 9 of 1,614,104 alleles (0.00056%); highest among the groups gnomAD compares: East Asian, 0.0067%; no homozygotes.

Submission:

Labcorp Genetics (formerly Invitae), Labcorp
Classification: Uncertain significance. Last evaluated: 2021-04-09. Review status: criteria provided, single submitter. Criteria: Invitae Variant Classification Sherloc (09022015). Collection method: clinical testing. Allele origin: germline.
Comment: In summary, the available evidence is currently insufficient to determine the role of this variant in disease. Therefore, it has been classified as a Variant of Uncertain Significance. Experimental studies and prediction algorithms are not available or were not evaluated, and the functional significance of this variant is currently unknown. This variant has not been reported in the literature in individuals with HTT-related conditions. This variant is present in population databases (rs548696125, ExAC 0.01%). This sequence change replaces threonine with alanine at codon 488 of the HTT protein (p.Thr488Ala). The threonine residue is weakly conserved and there is a small physicochemical difference between threonine and alanine.

NM_001388492.1(HTT):c.1456A>G (p.Thr486Ala)

Gene: HTT (huntingtin; plus strand). Cytogenetic location: 4p16.3.
Variant type: single nucleotide variant.
Coding change: c.1456A>G on transcript NM_001388492.1 (MANE Select); coding-DNA position 1456, A replaced by G.
Protein change: p.Thr486Ala; replaces threonine 486 with alanine.
Molecular consequence: missense variant.
Genome position (GRCh38, 1-based): chr4:3,127,317, A>G. VCF-style: chr4-3127317-A-G. GRCh37 (hg19) VCF-style: chr4-3129044-A-G.
Other names: c.1462A>G, p.Thr488Ala (NM_002111.8); short protein forms T486A, T488A.
Identifiers: ClinVar variation 1413947 (VCV001413947.6), dbSNP rs548696125, ClinGen allele CA2823561.
Genomic context (GRCh38, chr4:3,127,317, plus strand): 5'-TCTTCAGCCTCAGTGAAGGATGAGATCAGTGGAGAGCTGGCTGCTTCTTCAGGGGTTTCC[A>G]CTCCAGGGTCAGCAGGTCATGACATCATCACAGAACAGCCACGGTCACAGCACACACTGC-3'
Protein context (NP_001375421.1, residues 476-496): GELAASSGVS[Thr486Ala]PGSAGHDIIT